The following is an entry in ClinVar:

NM_000051.4(ATM):c.5926G>A (p.Ala1976Thr)

Genes: ATM (ATM serine/threonine kinase; plus strand), C11orf65 (chromosome 11 open reading frame 65; minus strand). Cytogenetic location: 11q22.3.
Variant type: single nucleotide variant.
Coding change: c.5926G>A on transcript NM_000051.4 (MANE Select); coding-DNA position 5926, G replaced by A.
Protein change: p.Ala1976Thr; replaces alanine 1976 with threonine.
Molecular consequence: missense variant. On other transcripts: intron variant (2).
Genome position (GRCh38, 1-based): chr11:108,312,418, G>A. VCF-style: chr11-108312418-G-A. GRCh37 (hg19) VCF-style: chr11-108183145-G-A.
Other names: c.5926G>A, p.Ala1976Thr (NM_001351834.2); c.641-3347C>T (NM_001330368.2); c.*39-3347C>T (NM_001351110.2); short protein forms A1976T.
Identifiers: ClinVar variation 925331 (VCV000925331.16), dbSNP rs2084241683, ClinGen allele CA382548641.

ClinVar aggregate classification (germline): Conflicting classifications of pathogenicity. Review status: criteria provided, conflicting classifications (1 of 4 stars). 5 submissions from 5 submitters: Uncertain significance (3); Likely benign (2). Last evaluated 2024-09-11.

Conditions:
Hereditary cancer-predisposing syndrome. Also called: Tumor predisposition; Neoplastic Syndromes, Hereditary; Hereditary neoplastic syndrome; Hereditary Cancer Syndrome. Identifiers: Orphanet 140162, MedGen C0027672, MeSH D009386, MONDO:0015356.
Hereditary cancer. Identifiers: MedGen C1333600.
Ataxia-telangiectasia syndrome (AT). Also called: Ataxia-telangiectasia, complementation group D; AT, COMPLEMENTATION GROUP C; ATAXIA-TELANGIECTASIA, COMPLEMENTATION GROUP A; ATAXIA-TELANGIECTASIA, FRESNO VARIANT; Ataxia-telangiectasia; Ataxia telangiectasia (A-T). Identifiers: Orphanet 100, MedGen C0004135, MONDO:0008840, OMIM 208900.

Allele frequency attached by ClinVar (database versions not stated): gnomAD exomes below 0.00001.
gnomAD v4.1: 2 of 1,590,672 alleles (0.00013%); highest among the groups gnomAD compares: Non-Finnish European, 0.00017%; no homozygotes.

Submissions (5):

Mendelics
Classification: Likely benign for Hereditary cancer. Last evaluated: 2024-09-11. Review status: criteria provided, single submitter. Criteria: ACMG Guidelines, 2015. Collection method: clinical testing. Allele origin: unknown.
Comment: This variant is considered likely benign or benign based on one or more of the following: it is predicted to be benign by multiple in silico algorithms, and/or has population frequency not consistent with disease, and/or has normal protein function, and/or has lack of segregation with disease, and/or has been detected in co-occurrence with known pathogenic variant, and/or has lack of disease association in case-control studies, and/or is located in a region inconsistent with a known cause of pathogenicity.

St. Jude Molecular Pathology, St. Jude Children's Research Hospital
Classification: Uncertain significance for Ataxia-telangiectasia syndrome. Last evaluated: 2024-07-05. Review status: criteria provided, single submitter. Criteria: St. Jude Assertion Criteria 2020. Collection method: clinical testing. Allele origin: germline.
Comment: The ATM c.5926G>A (p.Ala1976Thr) missense change is absent in gnomAD v2.1.1. The in silico tool REVEL predicts a benign effect on protein function, but to our knowledge this prediction has not been confirmed by functional studies. To our knowledge, this variant has not been reported in individuals with ataxia telangiectasia. In summary, the evidence currently available is insufficient to determine the clinical significance of this variant. It has therefore been classified as of uncertain significance.

Labcorp Genetics (formerly Invitae), Labcorp
Classification: Uncertain significance for Ataxia-telangiectasia syndrome. Last evaluated: 2024-04-16. Review status: criteria provided, single submitter. Criteria: Invitae Variant Classification Sherloc (09022015). Collection method: clinical testing. Allele origin: germline.
Comment: This sequence change replaces alanine, which is neutral and non-polar, with threonine, which is neutral and polar, at codon 1976 of the ATM protein (p.Ala1976Thr). This variant is not present in population databases (gnomAD no frequency). This variant has not been reported in the literature in individuals affected with ATM-related conditions. ClinVar contains an entry for this variant (Variation ID: 925331). Algorithms developed to predict the effect of missense changes on protein structure and function output the following: SIFT: "Not Available"; PolyPhen-2: "Benign"; Align-GVGD: "Not Available". The threonine amino acid residue is found in multiple mammalian species, which suggests that this missense change does not adversely affect protein function. In summary, the available evidence is currently insufficient to determine the role of this variant in disease. Therefore, it has been classified as a Variant of Uncertain Significance.

Color Diagnostics, LLC DBA Color Health
Classification: Uncertain significance for Hereditary cancer-predisposing syndrome. Last evaluated: 2023-12-04. Review status: criteria provided, single submitter. Criteria: ACMG Guidelines, 2015. Collection method: clinical testing. Allele origin: germline.
Comment: This missense variant replaces alanine with threonine at codon 1976 of the ATM protein. Computational prediction suggests that this variant may not impact protein structure and function (internally defined REVEL score threshold <= 0.5, PMID: 27666373). To our knowledge, functional studies have not been reported for this variant. This variant has not been reported in individuals affected with ATM-related disorders in the literature. This variant has not been identified in the general population by the Genome Aggregation Database (gnomAD). The available evidence is insufficient to determine the role of this variant in disease conclusively. Therefore, this variant is classified as a Variant of Uncertain Significance.

Ambry Genetics
Classification: Likely benign for Hereditary cancer-predisposing syndrome. Last evaluated: 2020-10-26. Review status: criteria provided, single submitter. Criteria: Ambry Variant Classification Scheme 2023. Collection method: clinical testing. Allele origin: germline.